The following is an entry in ClinVar:

NM_000439.5(PCSK1):c.1197-10T>C

Genes: CAST (calpastatin; plus strand), PCSK1 (proprotein convertase subtilisin/kexin type 1; minus strand), LOC101929710 (uncharacterized LOC101929710; plus strand). Cytogenetic location: 5q15.
Variant type: single nucleotide variant.
Coding change: c.1197-10T>C on transcript NM_000439.5 (MANE Select); 10 bases into the intron before coding-DNA position 1197, T replaced by C.
Molecular consequence: intron variant.
Genome position (GRCh38, 1-based): chr5:96,400,196, A>G on the plus strand (T>C on the coding strand, the complement: PCSK1 is on the minus strand). VCF-style: chr5-96400196-A-G. GRCh37 (hg19) VCF-style: chr5-95735900-A-G.
Other names: c.-175+20544A>G (NM_001423254.1, NM_001423259.1, NM_001423255.1 and 6 more transcripts); c.-103+20544A>G (NM_001423253.1); c.-40+20544A>G (NM_001423258.1); c.1056-10T>C (NM_001177875.2).
Identifiers: ClinVar variation 3357934 (VCV003357934.1).

ClinVar aggregate classification (germline): Likely benign (0 of 4 stars; one submission).

Conditions:
PCSK1-related disorder. Also called: PCSK1-related condition.

gnomAD v4.1: 3 of 1,567,136 alleles (0.00019%); highest among the groups gnomAD compares: Non-Finnish European, 0.00026%; no homozygotes.

Submission:

PreventionGenetics, part of Exact Sciences
Classification: Likely benign for PCSK1-related condition. Last evaluated: 2021-03-22. Review status: no assertion criteria provided. Collection method: clinical testing. Allele origin: germline.
Comment: This variant is classified as likely benign based on ACMG/AMP sequence variant interpretation guidelines (Richards et al. 2015 PMID: 25741868, with internal and published modifications).